The following is an entry in ClinVar:

ClinVar aggregate classification (germline): Uncertain significance (1 of 4 stars; one submission).

Allele frequency attached by ClinVar (database versions not stated): gnomAD exomes below 0.00001.
gnomAD v4.1: 2 of 1,208,345 alleles (0.00017%); highest among the groups gnomAD compares: Non-Finnish European, 0.00011%; no homozygotes.

Submission:

Labcorp Genetics (formerly Invitae), Labcorp
Classification: Uncertain significance. Last evaluated: 2022-10-15. Review status: criteria provided, single submitter. Criteria: Invitae Variant Classification Sherloc (09022015). Collection method: clinical testing. Allele origin: germline.
Comment: In summary, the available evidence is currently insufficient to determine the role of this variant in disease. Therefore, it has been classified as a Variant of Uncertain Significance. Advanced modeling of protein sequence and biophysical properties (such as structural, functional, and spatial information, amino acid conservation, physicochemical variation, residue mobility, and thermodynamic stability) performed at Invitae indicates that this missense variant is not expected to disrupt SH3KBP1 protein function. This variant has not been reported in the literature in individuals affected with SH3KBP1-related conditions. This variant is not present in population databases (gnomAD no frequency). This sequence change replaces isoleucine, which is neutral and non-polar, with valine, which is neutral and non-polar, at codon 5 of the SH3KBP1 protein (p.Ile5Val).

NM_031892.3(SH3KBP1):c.13A>G (p.Ile5Val)

Gene: SH3KBP1 (SH3 domain containing kinase binding protein 1; minus strand). Cytogenetic location: Xp22.12.
Variant type: single nucleotide variant.
Coding change: c.13A>G on transcript NM_031892.3 (MANE Select); coding-DNA position 13, A replaced by G.
Protein change: p.Ile5Val; replaces isoleucine 5 with valine.
Molecular consequence: missense variant.
Genome position (GRCh38, 1-based): chrX:19,836,274, T>C on the plus strand (A>G on the coding strand, the complement: SH3KBP1 is on the minus strand). VCF-style: chrX-19836274-T-C. GRCh37 (hg19) VCF-style: chrX-19854392-T-C.
Other names: c.13A>G, p.Ile5Val (NM_001353890.2, NM_001353891.2, NM_001353892.2 and 2 more transcripts); short protein forms I5V.
Identifiers: ClinVar variation 2808584 (VCV002808584.3), dbSNP rs2522952916, ClinGen allele CA412500319.
Genomic context (GRCh38, chrX:19,836,274, plus strand): 5'-TTTCACCCACGCTGATCGTCAGCTCATCATCGTGCTGGGCCTGGTAGTCAAACTCCACTA[T>C]GGCCTCCACTGGAAGGAACAGGGAAAACAGAGTAATTTAGGTCAGATGTTGGAGAAGGCT-3'
Protein context (NP_114098.1, residues 1-15): MVEA[Ile5Val]VEFDYQAQHD